The following is an entry in ClinVar:

NM_001267550.2(TTN):c.51843G>A (p.Trp17281Ter)

Genes: TTN-AS1 (TTN antisense RNA 1; plus strand), TTN (titin; minus strand). Cytogenetic location: 2q31.2.
Variant type: single nucleotide variant.
Coding change: c.51843G>A on transcript NM_001267550.2 (MANE Select); coding-DNA position 51843, G replaced by A.
Protein change: p.Trp17281Ter; replaces tryptophan 17281 with a stop codon.
Molecular consequence: nonsense.
Genome position (GRCh38, 1-based): chr2:178,609,467, C>T on the plus strand (G>A on the coding strand, the complement: TTN is on the minus strand). VCF-style: chr2-178609467-C-T. GRCh37 (hg19) VCF-style: chr2-179474194-C-T.
Other names: c.46920G>A, p.Trp15640Ter (NM_001256850.1); c.24648G>A, p.Trp8216Ter (NM_003319.4); c.44139G>A, p.Trp14713Ter (NM_133378.4); c.25023G>A, p.Trp8341Ter (NM_133432.3); c.25224G>A, p.Trp8408Ter (NM_133437.4); short protein forms W17281*, W14713*, W15640*, W8216*, W8408*, W8341*.
Identifiers: ClinVar variation 567251 (VCV000567251.9), dbSNP rs1559759828, ClinGen allele CA349579792.

ClinVar aggregate classification (germline): Likely pathogenic (1 of 4 stars; one submission).

Conditions:
Dilated cardiomyopathy 1G (CMD1G). Identifiers: Orphanet 154, MedGen C1858763, MONDO:0011400, OMIM 604145.
Autosomal recessive limb-girdle muscular dystrophy type 2J (LGMDR10). Also called: MUSCULAR DYSTROPHY, LIMB-GIRDLE, AUTOSOMAL RECESSIVE 10; Limb-girdle muscular dystrophy, type 2J. Identifiers: Orphanet 140922, MedGen C1837342, MONDO:0012127, OMIM 608807.

Allele frequency attached by ClinVar (database versions not stated): TOPMed below 0.00001.

Submission:

Labcorp Genetics (formerly Invitae), Labcorp
Classification: Likely pathogenic for Dilated cardiomyopathy 1G; Autosomal recessive limb-girdle muscular dystrophy type 2J. Last evaluated: 2025-12-20. Review status: criteria provided, single submitter. Criteria: Invitae Variant Classification Sherloc (09022015). Collection method: clinical testing. Allele origin: germline.
Comment: This sequence change creates a premature translational stop signal (p.Trp17281*) in the TTN gene. While this is not anticipated to result in nonsense mediated decay, it is expected to create a truncated TTN protein. This variant is not present in population databases (gnomAD no frequency). This variant has not been reported in the literature in individuals affected with TTN-related conditions. ClinVar contains an entry for this variant (Variation ID: 567251). This variant is located in the A band of TTN (PMID: 25589632). Truncating variants in this region are significantly overrepresented in patients affected with dilated cardiomyopathy (PMID: 25589632). Truncating variants in this region have also been reported in individuals affected with autosomal recessive centronuclear myopathy (PMID: 23975875). In summary, the currently available evidence indicates that the variant is pathogenic, but additional data are needed to prove that conclusively. Therefore, this variant has been classified as Likely Pathogenic.

Literature cited by the submitters: PubMed 25589632; PubMed 23975875.